The following is an entry in ClinVar:

NM_001142800.2(EYS):c.7460_7461del (p.Val2487fs)

Gene: EYS (EGF-like photoreceptor maintenance factor; minus strand). Cytogenetic location: 6q12.
Variant type: Microsatellite.
Coding change: c.7460_7461del on transcript NM_001142800.2 (MANE Select); coding-DNA positions 7460 to 7461, 2 bases deleted (TG; older notation c.7460_7461delTG).
Protein change: p.Val2487fs; shifts the reading frame from valine 2487.
Molecular consequence: frameshift variant.
Genome position (GRCh38, 1-based): chr6:63,789,175-63,789,176, CA deleted on the plus strand (TG on the coding strand, the reverse complement: EYS is on the minus strand); deleting any 2 consecutive bases within chr6:63,789,175-63,789,179 gives the same sequence; the c. name uses the placement nearest the transcript's 3' end. VCF-style (leftmost placement, unchanged base first): chr6-63789174-CCA-C. GRCh37 (hg19) VCF-style: chr6-64499067-CCA-C.
Other names: c.7460_7461del, p.Val2487fs (NM_001292009.2); short protein forms V2487fs.
Identifiers: ClinVar variation 1951715 (VCV001951715.5), dbSNP rs2533542165, ClinGen allele CA2580617275.

ClinVar aggregate classification (germline): Pathogenic (1 of 4 stars; one submission).

Submission:

Labcorp Genetics (formerly Invitae), Labcorp
Classification: Pathogenic. Last evaluated: 2022-08-02. Review status: criteria provided, single submitter. Criteria: Invitae Variant Classification Sherloc (09022015). Collection method: clinical testing. Allele origin: germline.
Comment: This sequence change creates a premature translational stop signal (p.Val2487Glyfs*3) in the EYS gene. It is expected to result in an absent or disrupted protein product. Loss-of-function variants in EYS are known to be pathogenic (PMID: 18836446, 20333770). This variant is not present in population databases (gnomAD no frequency). This variant has not been reported in the literature in individuals affected with EYS-related conditions. For these reasons, this variant has been classified as Pathogenic.

Literature cited by the submitters: PubMed 18836446; PubMed 20333770.